The following is an entry in ClinVar:

ClinVar aggregate classification (germline): Uncertain significance. Review status: criteria provided, multiple submitters, no conflicts (2 of 4 stars). 4 submissions from 4 submitters: Uncertain significance (3). 1 of the submissions does not count toward it. Last evaluated 2026-01-28.

Conditions:
Bloom syndrome (BLM). Also called: Bloom-Torre-Machacek syndrome. Identifiers: Orphanet 125, MedGen C0005859, MONDO:0008876, OMIM 210900.
Hereditary cancer-predisposing syndrome. Also called: Neoplastic Syndromes, Hereditary; Tumor predisposition; Hereditary Cancer Syndrome; Hereditary neoplastic syndrome. Identifiers: Orphanet 140162, MedGen C0027672, MeSH D009386, MONDO:0015356.

Allele frequency attached by ClinVar (database versions not stated): TOPMed below 0.00001; gnomAD 0.00001; ExAC 0.00004.
gnomAD v4.1: 15 of 1,601,550 alleles (0.00094%); highest among the groups gnomAD compares: Non-Finnish European, 0.0013%; no homozygotes.

Submissions (4):

Labcorp Genetics (formerly Invitae), Labcorp
Classification: Uncertain significance for Bloom syndrome. Last evaluated: 2026-01-28. Review status: criteria provided, single submitter. Criteria: Invitae Variant Classification Sherloc (09022015). Collection method: clinical testing. Allele origin: germline.
Comment: This sequence change replaces threonine, which is neutral and polar, with isoleucine, which is neutral and non-polar, at codon 182 of the BLM protein (p.Thr182Ile). This variant is present in population databases (rs749838731, gnomAD 0.006%). This variant has not been reported in the literature in individuals affected with BLM-related conditions. ClinVar contains an entry for this variant (Variation ID: 485344). An algorithm developed to predict the effect of missense changes on protein structure and function (PolyPhen-2) suggests that this variant is likely to be disruptive. In summary, the available evidence is currently insufficient to determine the role of this variant in disease. Therefore, it has been classified as a Variant of Uncertain Significance.

Ambry Genetics
Classification: Uncertain significance for Hereditary cancer-predisposing syndrome. Last evaluated: 2025-06-06. Review status: criteria provided, single submitter. Criteria: Ambry Variant Classification Scheme 2023. Collection method: clinical testing. Allele origin: germline.
Comment: The p.T182I variant (also known as c.545C>T), located in coding exon 2 of the BLM gene, results from a C to T substitution at nucleotide position 545. The threonine at codon 182 is replaced by isoleucine, an amino acid with similar properties. (Staninova-Stojovska M et al. Balkan J Med Genet, 2019 Dec;22:5-16). This amino acid position is well conserved in available vertebrate species. In addition, this alteration is predicted to be tolerated by in silico analysis. Since supporting evidence is limited at this time, the clinical significance of this alteration remains unclear.

GeneDx
Classification: Uncertain significance. Last evaluated: 2025-03-18. Review status: criteria provided, single submitter. Criteria: GeneDx Variant Classification Process June 2021. Collection method: clinical testing. Allele origin: germline. Affected: yes.
Comment: Not observed at significant frequency in large population cohorts (gnomAD); In silico analysis indicates that this missense variant does not alter protein structure/function; Observed in a patient with colorectal cancer (PMID: 31942411); This variant is associated with the following publications: (PMID: 31942411)

Natera, Inc.
Classification: Uncertain significance for Bloom syndrome. Last evaluated: 2018-10-09. Review status: no assertion criteria provided. Collection method: clinical testing. Allele origin: germline. Not counted in ClinVar's aggregate classification.

Literature cited by the submitters: PubMed 31942411 (cited by Ambry Genetics).

NM_000057.4(BLM):c.545C>T (p.Thr182Ile)

Gene: BLM (BLM RecQ like helicase; plus strand). Cytogenetic location: 15q26.1.
Variant type: single nucleotide variant.
Coding change: c.545C>T on transcript NM_000057.4 (MANE Select); coding-DNA position 545, C replaced by T.
Protein change: p.Thr182Ile; replaces threonine 182 with isoleucine.
Molecular consequence: missense variant. On other transcripts: 5 prime UTR variant (1).
Genome position (GRCh38, 1-based): chr15:90,749,813, C>T. VCF-style: chr15-90749813-C-T. GRCh37 (hg19) VCF-style: chr15-91293043-C-T.
Other names: c.545C>T (LRG_20t1); c.545C>T, p.Thr182Ile (NM_001287246.2, NM_001287247.2); c.-747C>T (NM_001287248.2); short protein forms T182I.
Identifiers: ClinVar variation 485344 (VCV000485344.19), dbSNP rs749838731, ClinGen allele CA7738309.
Genomic context (GRCh38, chr15:90,749,813, plus strand): 5'-CTTCTGAGACTTCAAAATCATTTGTTACACCACCCCAAAGTCACTTTGTAAGAGTAAGCA[C>T]TGCTCAGAAATCAAAAAAGGGTAAGAGAAACTTTTTTAAAGCACAGCTTTATACAACAAA-3'
Protein context (NP_000048.1, residues 172-192): PPQSHFVRVS[Thr182Ile]AQKSKKGKRN